The following is an entry in ClinVar:

ClinVar aggregate classification (germline): Pathogenic. Review status: criteria provided, multiple submitters, no conflicts (2 of 4 stars). 2 submissions from 2 submitters: Pathogenic (2). Last evaluated 2018-10-04.

Conditions:
Hereditary cancer-predisposing syndrome. Also called: Hereditary Cancer Syndrome; Neoplastic Syndromes, Hereditary; Hereditary neoplastic syndrome; Tumor predisposition. Identifiers: Orphanet 140162, MedGen C0027672, MeSH D009386, MONDO:0015356.
Retinoblastoma (RB1). Also called: RETINOBLASTOMA, SOMATIC. Identifiers: Orphanet 790, MedGen C0035335, MeSH D012175, MONDO:0008380, OMIM 180200, HP:0009919. Disease mechanism: loss of function. Inheritance: Both sporadic and heritable forms are tested..

Submissions (2):

Labcorp Genetics (formerly Invitae), Labcorp
Classification: Pathogenic for Retinoblastoma. Last evaluated: 2018-10-04. Review status: criteria provided, single submitter. Criteria: Invitae Variant Classification Sherloc (09022015). Collection method: clinical testing. Allele origin: germline.
Comment: This sequence change creates a premature translational stop signal (p.Ser215*) in the RB1 gene. It is expected to result in an absent or disrupted protein product. This variant is not present in population databases (ExAC no frequency). This variant has been observed in individuals affected with retinoblastoma (PMID: 12173465, 12541220, 15884040) and has also been reported to be de novo in an individual with bilateral retinoblastoma (PMID: 28193182). This variant is also known as g.56889C>A in the literature. ClinVar contains an entry for this variant (Variation ID: 428743). Loss-of-function variants in RB1 are known to be pathogenic (PMID: 17096365). For these reasons, this variant has been classified as Pathogenic.

Ambry Genetics
Classification: Pathogenic for Hereditary cancer-predisposing syndrome. Last evaluated: 2014-03-27. Review status: criteria provided, single submitter. Criteria: Ambry Autosomal Dominant and X-Linked criteria (10/2015). Collection method: clinical testing. Allele origin: germline. Observed: 1 variant allele.
Comment: The p.S215* pathogenic mutation (also known as c.644C>A) located in coding exon 7 of the RB1 gene, results from a C to A substitution at nucleotide position 644. This changes the amino acid from a serine to a stop codon within coding exon 7. This mutation has been identified in multiple individuals affected with hereditary retinoblastoma (Nichols KE et al. Hum. Mutat. 2005; 25:566-74, Richter S et al. Am. J. Hum. Genet. 2003; 72:253-69). In addition to the clinical data presented in the literature, since frameshifts are typically deleterious in nature, this alteration is interpreted as a disease-causing mutation (ACMG Recommendations for Standards for Interpretation and Reporting of Sequence Variations. Revision 2007. Genet Med. 2008;10:294).

Literature cited by the submitters: PubMed 12173465 (cited by Labcorp Genetics (formerly Invitae), Labcorp); PubMed 12541220 (cited by Labcorp Genetics (formerly Invitae), Labcorp and Ambry Genetics); PubMed 15884040 (cited by Labcorp Genetics (formerly Invitae), Labcorp and Ambry Genetics); PubMed 28193182 (cited by Labcorp Genetics (formerly Invitae), Labcorp); PubMed 17096365 (cited by Labcorp Genetics (formerly Invitae), Labcorp).

NM_000321.3(RB1):c.644C>A (p.Ser215Ter)

Gene: RB1 (RB transcriptional corepressor 1; plus strand). Cytogenetic location: 13q14.2.
Variant type: single nucleotide variant.
Coding change: c.644C>A on transcript NM_000321.3 (MANE Select); coding-DNA position 644, C replaced by A.
Protein change: p.Ser215Ter; replaces serine 215 with a stop codon.
Molecular consequence: nonsense.
Genome position (GRCh38, 1-based): chr13:48,360,053, C>A. VCF-style: chr13-48360053-C-A. GRCh37 (hg19) VCF-style: chr13-48934189-C-A.
Other names: short protein forms S215*.
Identifiers: ClinVar variation 428743 (VCV000428743.12), dbSNP rs768305224, ClinGen allele CA388158248.